The following is an entry in ClinVar:

ClinVar aggregate classification (germline): Uncertain significance (1 of 4 stars; one submission).

Submission:

CeGaT Center for Human Genetics Tuebingen
Classification: Uncertain significance. Last evaluated: 2026-04-01. Review status: criteria provided, single submitter. Criteria: CeGaT Center For Human Genetics Tuebingen Variant Classification Criteria Version 2. Collection method: clinical testing. Allele origin: germline. Affected: yes. Observed: 2 variant alleles.
Comment: OGT: PM2, PP2

NM_181672.3(OGT):c.1615C>G (p.His539Asp)

Gene: OGT (O-linked N-acetylglucosamine (GlcNAc) transferase; plus strand). Cytogenetic location: Xq13.1.
Variant type: single nucleotide variant.
Coding change: c.1615C>G on transcript NM_181672.3 (MANE Select); coding-DNA position 1615, C replaced by G.
Protein change: p.His539Asp; replaces histidine 539 with aspartic acid.
Molecular consequence: missense variant.
Genome position (GRCh38, 1-based): chrX:71,559,279, C>G. VCF-style: chrX-71559279-C-G. GRCh37 (hg19) VCF-style: chrX-70779129-C-G.
Other names: c.1585C>G, p.His529Asp (NM_181673.3); short protein forms H529D, H539D.
Identifiers: ClinVar variation 4874633 (VCV004874633.2).